The following is an entry in ClinVar:

ClinVar aggregate classification (germline): Uncertain significance (0 of 4 stars; one submission).

Conditions:
ALG13-related disorder. Also called: ALG13-related condition.

Submission:

PreventionGenetics, part of Exact Sciences
Classification: Uncertain significance for ALG13-related condition. Last evaluated: 2024-06-02. Review status: no assertion criteria provided. Collection method: clinical testing. Allele origin: germline.
Comment: The ALG13 c.794G>T variant is predicted to result in the amino acid substitution p.Cys265Phe. To our knowledge, this variant has not been reported in the literature or in a large population database, indicating this variant is rare. At this time, the clinical significance of this variant is uncertain due to the absence of conclusive functional and genetic evidence.

NM_001099922.3(ALG13):c.794G>T (p.Cys265Phe)

Gene: ALG13 (ALG13 UDP-N-acetylglucosaminyltransferase subunit; plus strand). Cytogenetic location: Xq23.
Variant type: single nucleotide variant.
Coding change: c.794G>T on transcript NM_001099922.3 (MANE Select); coding-DNA position 794, G replaced by T.
Protein change: p.Cys265Phe; replaces cysteine 265 with phenylalanine.
Molecular consequence: missense variant. On other transcripts: non-coding transcript variant (1).
Genome position (GRCh38, 1-based): chrX:111,709,008, G>T. VCF-style: chrX-111709008-G-T. GRCh37 (hg19) VCF-style: chrX-110952236-G-T.
Other names: c.482G>T, p.Cys161Phe (NM_001257230.2, NM_001257234.2, NM_001257237.2 and 1 more transcripts); c.560G>T, p.Cys187Phe (NM_001257231.2); c.794G>T, p.Cys265Phe (NM_001324292.2); short protein forms C161F, C187F, C265F.
Identifiers: ClinVar variation 3345074 (VCV003345074.1).